The following is an entry in ClinVar:

ClinVar aggregate classification (germline): Benign (1 of 4 stars; one submission).

Conditions:
MELAS syndrome (MELAS). Also called: Juvenile myopathy, encephalopathy, lactic acidosis, stroke. Identifiers: Orphanet 550, MedGen C0162671, MONDO:0010789, OMIM 540000.

Submission:

Wong Mito Lab, Molecular and Human Genetics, Baylor College of Medicine
Classification: Benign for MELAS syndrome. Last evaluated: 2019-07-12. Review status: criteria provided, single submitter. Criteria: Modified ACMG Guidelines (Unpublished). Collection method: clinical testing. Allele origin: germline.
Comment: The NC_012920.1:m.14690A>G variant in MT-TE gene is interpreted to be a Benign variant based on the modified ACMG guidelines (unpublished). This variant meets the following evidence codes reported in the guidelines: BS1, BS2, BP4

Literature cited by the submitters: PubMed 31965079.

NC_012920.1(MT-TE):m.14690A>G

Gene: MT-TE (mitochondrially encoded tRNA glutamic acid; minus strand).
Variant type: single nucleotide variant.
Genome position: chrM-14690-A-G.
Identifiers: ClinVar variation 690202 (VCV000690202.1), dbSNP rs1603224834, ClinGen allele CA913171825.